The following is an entry in ClinVar:

ClinVar aggregate classification (germline): Uncertain significance (1 of 4 stars; one submission).

Allele frequency attached by ClinVar (database versions not stated): ExAC 0.00001; gnomAD 0.00001; TOPMed 0.00002.
gnomAD v4.1: 1 of 1,614,102 alleles (0.000062%); highest among the groups gnomAD compares: African/African-American, 0.0013%; no homozygotes.

Submission:

Labcorp Genetics (formerly Invitae), Labcorp
Classification: Uncertain significance. Last evaluated: 2023-04-17. Review status: criteria provided, single submitter. Criteria: Invitae Variant Classification Sherloc (09022015). Collection method: clinical testing. Allele origin: germline.
Comment: This variant has not been reported in the literature in individuals affected with TUBB1-related conditions. In summary, the available evidence is currently insufficient to determine the role of this variant in disease. Therefore, it has been classified as a Variant of Uncertain Significance. Advanced modeling of protein sequence and biophysical properties (such as structural, functional, and spatial information, amino acid conservation, physicochemical variation, residue mobility, and thermodynamic stability) performed at Invitae indicates that this missense variant is expected to disrupt TUBB1 protein function. This variant is present in population databases (rs769778251, gnomAD 0.01%). This sequence change replaces cysteine, which is neutral and slightly polar, with serine, which is neutral and polar, at codon 12 of the TUBB1 protein (p.Cys12Ser).

NM_030773.4(TUBB1):c.34T>A (p.Cys12Ser)

Gene: TUBB1 (tubulin beta 1 class VI; plus strand). Cytogenetic location: 20q13.32.
Variant type: single nucleotide variant.
Coding change: c.34T>A on transcript NM_030773.4 (MANE Select); coding-DNA position 34, T replaced by A.
Protein change: p.Cys12Ser; replaces cysteine 12 with serine.
Molecular consequence: missense variant.
Genome position (GRCh38, 1-based): chr20:59,019,556, T>A. VCF-style: chr20-59019556-T-A. GRCh37 (hg19) VCF-style: chr20-57594611-T-A.
Other names: short protein forms C12S.
Identifiers: ClinVar variation 2880579 (VCV002880579.3), dbSNP rs769778251, ClinGen allele CA9928324.